The following is an entry in ClinVar:

ClinVar aggregate classification (germline): Uncertain significance (1 of 4 stars; one submission).

Conditions:
Familial infantile myasthenia (CMS6). Also called: MYASTHENIC SYNDROME, CONGENITAL, 6, PRESYNAPTIC; MYASTHENIC SYNDROME, PRESYNAPTIC, CONGENITAL, ASSOCIATED WITH EPISODIC APNEA; Congenital myasthenic syndrome type 6. Identifiers: Orphanet 590, MedGen C0393929, MONDO:0009689, OMIM 254210.

Allele frequency attached by ClinVar (database versions not stated): gnomAD exomes below 0.00001; gnomAD 0.00001.
gnomAD v4.1: 3 of 1,613,986 alleles (0.00019%); highest among the groups gnomAD compares: Non-Finnish European, 0.00025%; no homozygotes.

Submission:

Labcorp Genetics (formerly Invitae), Labcorp
Classification: Uncertain significance for Familial infantile myasthenia. Last evaluated: 2022-03-22. Review status: criteria provided, single submitter. Criteria: Invitae Variant Classification Sherloc (09022015). Collection method: clinical testing. Allele origin: germline.
Comment: This sequence change replaces alanine, which is neutral and non-polar, with threonine, which is neutral and polar, at codon 593 of the CHAT protein (p.Ala593Thr). This variant is not present in population databases (gnomAD no frequency). This variant has not been reported in the literature in individuals affected with CHAT-related conditions. Algorithms developed to predict the effect of missense changes on protein structure and function (SIFT, PolyPhen-2, Align-GVGD) all suggest that this variant is likely to be tolerated. In summary, the available evidence is currently insufficient to determine the role of this variant in disease. Therefore, it has been classified as a Variant of Uncertain Significance.

NM_020549.5(CHAT):c.1777G>A (p.Ala593Thr)

Gene: CHAT (choline O-acetyltransferase; plus strand). Cytogenetic location: 10q11.23.
Variant type: single nucleotide variant.
Coding change: c.1777G>A on transcript NM_020549.5 (MANE Select); coding-DNA position 1777, G replaced by A.
Protein change: p.Ala593Thr; replaces alanine 593 with threonine.
Molecular consequence: missense variant.
Genome position (GRCh38, 1-based): chr10:49,655,386, G>A. VCF-style: chr10-49655386-G-A. GRCh37 (hg19) VCF-style: chr10-50863432-G-A.
Other names: c.1423G>A, p.Ala475Thr (NM_001142929.2, NM_001142934.2, NM_020984.4 and 2 more transcripts); c.1531G>A, p.Ala511Thr (NM_001142933.2); short protein forms A475T, A511T, A593T.
Identifiers: ClinVar variation 1980390 (VCV001980390.1), dbSNP rs1840003719, ClinGen allele CA376748387.